The following is an entry in ClinVar:

NM_001927.4(DES):c.609A>C (p.Glu203Asp)

Gene: DES (desmin; plus strand). Cytogenetic location: 2q35.
Variant type: single nucleotide variant.
Coding change: c.609A>C on transcript NM_001927.4 (MANE Select); coding-DNA position 609, A replaced by C.
Protein change: p.Glu203Asp; replaces glutamic acid 203 with aspartic acid.
Molecular consequence: missense variant.
Genome position (GRCh38, 1-based): chr2:219,420,125, A>C. VCF-style: chr2-219420125-A-C. GRCh37 (hg19) VCF-style: chr2-220284847-A-C.
Other names: c.609A>C (LRG_380t1); short protein forms E203D.
Identifiers: ClinVar variation 264129 (VCV000264129.21), dbSNP rs369495436, ClinGen allele CA2125090.

ClinVar aggregate classification (germline): Conflicting classifications of pathogenicity. Review status: criteria provided, conflicting classifications (1 of 4 stars). 6 submissions from 6 submitters: Uncertain significance (5); Likely benign (1). Last evaluated 2026-05-21.

Conditions:
DES-related disorder. Also called: DES-related condition.
Cardiovascular phenotype. Identifiers: MedGen CN230736.
Desmin-related myofibrillar myopathy (MFM1). Also called: Desminopathy; Myofibrillar myopathy 1; MYOFIBRILLAR MYOPATHY WITH ARRHYTHMOGENIC RIGHT VENTRICULAR CARDIOMYOPATHY; DESMIN-RELATED MYOPATHY WITH ARRHYTHMOGENIC RIGHT VENTRICULAR CARDIOMYOPATHY; Desmin related myopathy (former name); Desmin storage myopathy (former name). Identifiers: Orphanet 363543, Orphanet 98909, MedGen C1832370, MONDO:0011076, OMIM 601419.

Allele frequency attached by ClinVar (database versions not stated): gnomAD exomes 0.00001; ExAC 0.00002; gnomAD 0.00002; TOPMed 0.00002; ESP Exome Variant Server 0.00008.
gnomAD v4.1: 74 of 1,614,130 alleles (0.0046%); highest among the groups gnomAD compares: Non-Finnish European, 0.0057%; no homozygotes.

Submissions (6):

PreventionGenetics, part of Exact Sciences
Classification: Uncertain significance for DES-related condition. Last evaluated: 2026-05-21. Review status: criteria provided, single submitter. Criteria: ACMG Guidelines, 2015. Collection method: clinical testing. Allele origin: germline.
Comment: The DES c.609A>C variant is predicted to result in the amino acid substitution p.Glu203Asp. This variant has been reported as a variant of uncertain significance in an individual with sudden arrhythmic death syndrome/sudden cardiac death (Table S1, Murphy et al. 2024. PubMed ID: 38489124). This variant is reported in 0.0023% of alleles in individuals of European (Non-Finnish) descent in gnomAD. At this time, the clinical significance of this variant is uncertain due to the absence of conclusive functional and genetic evidence.

Labcorp Genetics (formerly Invitae), Labcorp
Classification: Uncertain significance for Desmin-related myofibrillar myopathy. Last evaluated: 2025-07-08. Review status: criteria provided, single submitter. Criteria: Invitae Variant Classification Sherloc (09022015). Collection method: clinical testing. Allele origin: germline.
Comment: This sequence change replaces glutamic acid, which is acidic and polar, with aspartic acid, which is acidic and polar, at codon 203 of the DES protein (p.Glu203Asp). This variant is present in population databases (rs369495436, gnomAD 0.002%). This missense change has been observed in individual(s) with sudden arrhythmic death syndrome (PMID: 38489124). ClinVar contains an entry for this variant (Variation ID: 264129). Invitae Evidence Modeling of protein sequence and biophysical properties (such as structural, functional, and spatial information, amino acid conservation, physicochemical variation, residue mobility, and thermodynamic stability) has been performed for this missense variant. However, the output from this modeling did not meet the statistical confidence thresholds required to predict the impact of this variant on DES protein function. In summary, the available evidence is currently insufficient to determine the role of this variant in disease. Therefore, it has been classified as a Variant of Uncertain Significance.

Women's Health and Genetics/Laboratory Corporation of America, LabCorp
Classification: Uncertain significance. Last evaluated: 2025-06-30. Review status: criteria provided, single submitter. Criteria: LabCorp Variant Classification Summary - May 2015. Collection method: clinical testing. Allele origin: germline.
Comment: Variant summary: DES c.609A>C (p.Glu203Asp) results in a conservative amino acid change located in the Intermediate filament, rod domain (IPR039008) of the encoded protein sequence. Algorithms developed to predict the effect of missense changes on protein structure and function are either unavailable or do not agree on the potential impact of this missense change. The variant allele was found at a frequency of 8e-06 in 251486 control chromosomes. The available data on variant occurrences in the general population are insufficient to allow any conclusion about variant significance. c.609A>C has been observed in individual(s) affected with Autosomal Recessive Desminopathy. These report(s) do not provide unequivocal conclusions about association of the variant with Autosomal Recessive Desminopathy. To our knowledge, no experimental evidence demonstrating an impact on protein function has been reported. ClinVar contains an entry for this variant (Variation ID: 264129). Based on the evidence outlined above, the variant was classified as uncertain significance.

GeneDx
Classification: Uncertain significance. Last evaluated: 2024-04-15. Review status: criteria provided, single submitter. Criteria: GeneDx Variant Classification Process June 2021. Collection method: clinical testing. Allele origin: germline. Affected: yes.
Comment: Has not been previously published as pathogenic or benign to our knowledge; Not observed at significant frequency in large population cohorts (gnomAD); In silico analysis indicates that this missense variant does not alter protein structure/function

Ambry Genetics
Classification: Uncertain significance for Cardiovascular phenotype. Last evaluated: 2023-12-21. Review status: criteria provided, single submitter. Criteria: Ambry Variant Classification Scheme 2023. Collection method: clinical testing. Allele origin: germline.
Comment: The p.E203D variant (also known as c.609A>C), located in coding exon 2 of the DES gene, results from an A to C substitution at nucleotide position 609. The glutamic acid at codon 203 is replaced by aspartic acid, an amino acid with highly similar properties. This amino acid position is highly conserved in available vertebrate species. In addition, this alteration is predicted to be tolerated by in silico analysis. Since supporting evidence is limited at this time, the clinical significance of this alteration remains unclear.

Blueprint Genetics
Classification: Likely benign. Last evaluated: 2023-04-05. Review status: criteria provided, single submitter. Criteria: ACMG Guidelines, 2015. Collection method: clinical testing. Allele origin: germline.

Literature cited by the submitters: PubMed 38489124 (cited by Labcorp Genetics (formerly Invitae), Labcorp and Women's Health and Genetics/Laboratory Corporation of America, LabCorp).